The following is an entry in ClinVar:

NM_004312.3(ARR3):c.1095C>T (p.Ile365=)

Gene: ARR3 (arrestin 3; plus strand). Cytogenetic location: Xq13.1.
Variant type: single nucleotide variant.
Coding change: c.1095C>T on transcript NM_004312.3 (MANE Select); coding-DNA position 1095, C replaced by T.
Protein change: p.Ile365=; no amino-acid change (isoleucine 365 retained).
Molecular consequence: synonymous variant.
Genome position (GRCh38, 1-based): chrX:70,281,694, C>T. VCF-style: chrX-70281694-C-T. GRCh37 (hg19) VCF-style: chrX-69501544-C-T.
Identifiers: ClinVar variation 4681596 (VCV004681596.6).

ClinVar aggregate classification (germline): Likely benign. Review status: criteria provided, multiple submitters, no conflicts (2 of 4 stars). 2 submissions from 2 submitters: Likely benign (2). Last evaluated 2025-12-01.

gnomAD v4.1: 27 of 1,183,722 alleles (0.0023%); highest among the groups gnomAD compares: Admixed American, 0.0024%; no homozygotes.

Submissions (2):

CeGaT Center for Human Genetics Tuebingen
Classification: Likely benign. Last evaluated: 2025-12-01. Review status: criteria provided, single submitter. Criteria: CeGaT Center For Human Genetics Tuebingen Variant Classification Criteria Version 2. Collection method: clinical testing. Allele origin: germline. Affected: yes. Observed: 1 variant allele.
Comment: ARR3: BS2

Blueprint Genetics
Classification: Likely benign. Last evaluated: 2024-10-22. Review status: criteria provided, single submitter. Criteria: ACMG Guidelines, 2015. Collection method: clinical testing. Allele origin: germline.